The following is an entry in ClinVar:

ClinVar aggregate classification (germline): Uncertain significance (1 of 4 stars; one submission).

Submission:

GeneDx
Classification: Uncertain significance. Last evaluated: 2025-07-25. Review status: criteria provided, single submitter. Criteria: GeneDx Variant Classification Process June 2021. Collection method: clinical testing. Allele origin: germline. Affected: yes.
Comment: Not observed at significant frequency in large population cohorts (gnomAD); Frameshift variant predicted to result in protein truncation or nonsense mediated decay in a gene or region of a gene for which loss of function is not a well-established mechanism of disease; Has not been previously published as pathogenic or benign to our knowledge

NM_205836.3(FBXO38):c.2090dup (p.Asn697fs)

Gene: FBXO38 (F-box protein 38; plus strand). Cytogenetic location: 5q32.
Variant type: Duplication.
Coding change: c.2090dup on transcript NM_205836.3 (MANE Select); coding-DNA position 2090, one base duplicated (A; older notation c.2090dupA).
Protein change: p.Asn697fs; shifts the reading frame from asparagine 697.
Molecular consequence: frameshift variant. On other transcripts: intron variant (1).
Genome position (GRCh38, 1-based): chr5:148,427,384, A duplicated; the last of 8 consecutive A bases (chr5:148,427,377-148,427,384); duplicating any one gives the same sequence. VCF-style (leftmost placement, unchanged base first): chr5-148427376-G-GA. GRCh37 (hg19) VCF-style: chr5-147806939-G-GA.
Other names: c.2090dup, p.Asn697fs (NM_030793.5); c.1918+1683dup (NM_001271723.2); short protein forms N697fs.
Identifiers: ClinVar variation 4686956 (VCV004686956.1).
Genomic context (GRCh38, chr5:148,427,376, plus strand): 5'-TCAGGTCACCAGTGAGCAGATCAAAGCCGATATGAAAGCAGCTAGGGATATTCCTGAAAA[G>GA]AAAAAAAACAAGGATGTTTATCCCAGCTGCAGCAGCACCACCGCCAGCACAGTGGGAAAC-3'